The following is an entry in ClinVar:

NM_003803.4(MYOM1):c.1872G>T (p.Gln624His)

Gene: MYOM1 (myomesin 1; minus strand). Cytogenetic location: 18p11.31.
Variant type: single nucleotide variant.
Coding change: c.1872G>T on transcript NM_003803.4 (MANE Select); coding-DNA position 1872, G replaced by T.
Protein change: p.Gln624His; replaces glutamine 624 with histidine.
Molecular consequence: missense variant.
Genome position (GRCh38, 1-based): chr18:3,149,173, C>A on the plus strand (G>T on the coding strand, the complement: MYOM1 is on the minus strand). VCF-style: chr18-3149173-C-A. GRCh37 (hg19) VCF-style: chr18-3149171-C-A.
Other names: c.1872G>T, p.Gln624His (NM_019856.2); short protein forms Q624H.
Identifiers: ClinVar variation 3709302 (VCV003709302.2).
Genomic context (GRCh38, chr18:3,149,173, plus strand): 5'-GCAATAGTATCTGGGGCAACCAGACTTCTTACCTGAAGGTTCCTCTTCAGTAACAATGAT[C>A]TGTCCAGTCCAGGGTGCTGAGGGGCGACCTGAATAAAGACAAATATAAGAATCACAAACG-3'
Protein context (NP_003794.3, residues 614-634): KSRPSAPWTG[Gln624His]IIVTEEEPSE

ClinVar aggregate classification (germline): Uncertain significance (1 of 4 stars; one submission).

Conditions:
Hypertrophic cardiomyopathy. Also called: HYPERTROPHIC MYOCARDIOPATHY. Identifiers: Orphanet 217569, MedGen C0007194, MeSH D002312, MONDO:0005045, HP:0001639.

gnomAD v4.1: 6 of 1,613,932 alleles (0.00037%); highest among the groups gnomAD compares: South Asian, 0.0066%; no homozygotes.

Submission:

Labcorp Genetics (formerly Invitae), Labcorp
Classification: Uncertain significance for Hypertrophic cardiomyopathy. Last evaluated: 2024-04-09. Review status: criteria provided, single submitter. Criteria: Invitae Variant Classification Sherloc (09022015). Collection method: clinical testing. Allele origin: germline.
Comment: This sequence change replaces glutamine, which is neutral and polar, with histidine, which is basic and polar, at codon 624 of the MYOM1 protein (p.Gln624His). This variant is present in population databases (no rsID available, gnomAD 0.01%). This variant has not been reported in the literature in individuals affected with MYOM1-related conditions. Advanced modeling of protein sequence and biophysical properties (such as structural, functional, and spatial information, amino acid conservation, physicochemical variation, residue mobility, and thermodynamic stability) performed at Invitae indicates that this missense variant is expected to disrupt MYOM1 protein function with a positive predictive value of 80%. In summary, the available evidence is currently insufficient to determine the role of this variant in disease. Therefore, it has been classified as a Variant of Uncertain Significance.